The following is an entry in ClinVar:

NM_001375765.1(GIGYF1):c.2761+6C>T

Gene: GIGYF1 (GRB10 interacting GYF protein 1; minus strand). Cytogenetic location: 7q22.1.
Variant type: single nucleotide variant.
Coding change: c.2761+6C>T on transcript NM_001375765.1 (MANE Select); 6 bases into the intron after coding-DNA position 2761, C replaced by T.
Molecular consequence: intron variant.
Genome position (GRCh38, 1-based): chr7:100,682,316, G>A on the plus strand (C>T on the coding strand, the complement: GIGYF1 is on the minus strand). VCF-style: chr7-100682316-G-A. GRCh37 (hg19) VCF-style: chr7-100279939-G-A.
Other names: NM_022574.4:c.2761+6C>T; c.2761+6C>T (NM_001375760.1, NM_001375764.1, NM_001375766.1 and 5 more transcripts); c.2758+6C>T (NM_001375768.1).
Identifiers: ClinVar variation 3035541 (VCV003035541.10), dbSNP rs200383064, ClinGen allele CA4387980.
Genomic context (GRCh38, chr7:100,682,316, plus strand): 5'-GTCAGGGCCCCCTGGCCGGGTCTGGAGACCCAGGTCCCGCCCACCTCCTGGGAGCCGCTC[G>A]CCCACCGTCCAGGCTGCCCGTGGCGCTCAGCGTGTGCAGCATCTGCTCGCACCACTGGGT-3'

ClinVar aggregate classification (germline): Likely benign. Review status: criteria provided, single submitter (1 of 4 stars). 2 submissions from 2 submitters: Likely benign (1). 1 of the submissions does not count toward it. Last evaluated 2025-07-01.

Conditions:
GIGYF1-related disorder. Also called: GIGYF1-related condition.

Allele frequency attached by ClinVar (database versions not stated): ExAC 0.00078; gnomAD 0.00240; ESP Exome Variant Server 0.00246; TOPMed 0.00286; 1000 Genomes Project 0.00339; 1000 Genomes Project 30x 0.00437.
gnomAD v4.1: 772 of 1,610,928 alleles (0.048%); highest among the groups gnomAD compares: African/African-American, 0.94%; 4 homozygotes.

Submissions (2):

CeGaT Center for Human Genetics Tuebingen
Classification: Likely benign. Last evaluated: 2025-07-01. Review status: criteria provided, single submitter. Criteria: CeGaT Center For Human Genetics Tuebingen Variant Classification Criteria Version 2. Collection method: clinical testing. Allele origin: germline. Affected: yes. Observed: 1 variant allele.
Comment: GIGYF1: PP3, BS2

PreventionGenetics, part of Exact Sciences
Classification: Likely benign for GIGYF1-related condition. Last evaluated: 2023-12-11. Review status: no assertion criteria provided. Collection method: clinical testing. Allele origin: germline. Not counted in ClinVar's aggregate classification.
Comment: This variant is classified as likely benign based on ACMG/AMP sequence variant interpretation guidelines (Richards et al. 2015 PMID: 25741868, with internal and published modifications).